The following is an entry in ClinVar:

ClinVar aggregate classification (germline): Uncertain significance (1 of 4 stars; one submission).

Allele frequency attached by ClinVar (database versions not stated): gnomAD exomes below 0.00001; TOPMed below 0.00001.
gnomAD v4.1: 2 of 1,614,080 alleles (0.00012%); highest among the groups gnomAD compares: Non-Finnish European, 0.00017%; no homozygotes.

Submission:

Labcorp Genetics (formerly Invitae), Labcorp
Classification: Uncertain significance. Last evaluated: 2024-11-11. Review status: criteria provided, single submitter. Criteria: Invitae Variant Classification Sherloc (09022015). Collection method: clinical testing. Allele origin: germline.
Comment: This sequence change replaces threonine, which is neutral and polar, with serine, which is neutral and polar, at codon 500 of the RCBTB1 protein (p.Thr500Ser). This variant is not present in population databases (gnomAD no frequency). This variant has not been reported in the literature in individuals affected with RCBTB1-related conditions. ClinVar contains an entry for this variant (Variation ID: 858115). An algorithm developed to predict the effect of missense changes on protein structure and function (PolyPhen-2) suggests that this variant is likely to be disruptive. In summary, the available evidence is currently insufficient to determine the role of this variant in disease. Therefore, it has been classified as a Variant of Uncertain Significance.

NM_018191.4(RCBTB1):c.1498A>T (p.Thr500Ser)

Gene: RCBTB1 (RCC1 and BTB domain containing protein 1; minus strand). Cytogenetic location: 13q14.2.
Variant type: single nucleotide variant.
Coding change: c.1498A>T on transcript NM_018191.4 (MANE Select); coding-DNA position 1498, A replaced by T.
Protein change: p.Thr500Ser; replaces threonine 500 with serine.
Molecular consequence: missense variant. On other transcripts: non-coding transcript variant (2).
Genome position (GRCh38, 1-based): chr13:49,534,220, T>A on the plus strand (A>T on the coding strand, the complement: RCBTB1 is on the minus strand). VCF-style: chr13-49534220-T-A. GRCh37 (hg19) VCF-style: chr13-50108356-T-A.
Other names: c.1498A>T, p.Thr500Ser (NM_001352500.2, NM_001352501.2, NM_001352502.2 and 1 more transcripts); c.919A>T, p.Thr307Ser (NM_001352506.2); short protein forms T307S, T500S.
Identifiers: ClinVar variation 858115 (VCV000858115.9), dbSNP rs944745567, ClinGen allele CA249355338.